The following is an entry in ClinVar:

NM_001355436.2(SPTB):c.6484G>A (p.Glu2162Lys)

Gene: SPTB (spectrin beta, erythrocytic; minus strand). Cytogenetic location: 14q23.3.
Variant type: single nucleotide variant.
Coding change: c.6484G>A on transcript NM_001355436.2 (MANE Select); coding-DNA position 6484, G replaced by A.
Protein change: p.Glu2162Lys; replaces glutamic acid 2162 with lysine.
Molecular consequence: missense variant.
Genome position (GRCh38, 1-based): chr14:64,753,655, C>T on the plus strand (G>A on the coding strand, the complement: SPTB is on the minus strand). VCF-style: chr14-64753655-C-T. GRCh37 (hg19) VCF-style: chr14-65220373-C-T.
Other names: c.6484G>A, p.Glu2162Lys (NM_001024858.4); c.6484G>A (NM_001024858.2); short protein forms E2162K.
Identifiers: ClinVar variation 546743 (VCV000546743.59), dbSNP rs375816870, ClinGen allele CA7229553.
Genomic context (GRCh38, chr14:64,753,655, plus strand): 5'-CCATCTGCACACTCTGCCCATGGTCCCGCGGGGCCGGCAGCGTTGCGGGCTCATCACCCT[C>T]GCTCAGAGGCGTATCTAGGACCTTAAAGAGGGGCTCCGTGGTGGGCCTCTCATCCCCAGT-3'
Protein context (NP_001342365.1, residues 2152-2172): LFKVLDTPLS[Glu2162Lys]GDEPATLPAP

ClinVar aggregate classification (germline): Conflicting classifications of pathogenicity. Review status: criteria provided, conflicting classifications (1 of 4 stars). 6 submissions from 6 submitters: Uncertain significance (3); Likely benign (2). 1 of the submissions does not count toward it. Last evaluated 2025-07-24.

Conditions:
SPTB-related disorder. Also called: SPTB-Related Disorders; SPTB-related condition.

Allele frequency attached by ClinVar (database versions not stated): gnomAD exomes 0.00010 and 0.00021; ESP Exome Variant Server 0.00015; gnomAD 0.00019 and 0.00020; TOPMed 0.00023; ExAC 0.00024.
gnomAD v4.1: 274 of 1,613,720 alleles (0.017%); highest among the groups gnomAD compares: East Asian, 0.11%; 4 homozygotes.

Submissions (6):

ARUP Laboratories, Molecular Genetics and Genomics, ARUP Laboratories
Classification: Likely benign. Last evaluated: 2025-07-24. Review status: criteria provided, single submitter. Criteria: ARUP Molecular Germline Variant Investigation Process 2024. Collection method: clinical testing. Allele origin: germline.

Blueprint Genetics
Classification: Uncertain significance. Last evaluated: 2024-10-21. Review status: criteria provided, single submitter. Criteria: ACMG Guidelines, 2015. Collection method: clinical testing. Allele origin: germline.

Revvity Omics, Revvity
Classification: Likely benign. Last evaluated: 2023-09-14. Review status: criteria provided, single submitter. Criteria: ACMG Guidelines, 2015. Collection method: clinical testing. Allele origin: germline.

Mayo Clinic Laboratories, Mayo Clinic
Classification: Uncertain significance. Last evaluated: 2022-06-09. Review status: criteria provided, single submitter. Criteria: ACMG Guidelines, 2015. Collection method: clinical testing. Allele origin: germline. Observed: 5 variant alleles.

CeGaT Center for Human Genetics Tuebingen
Classification: Uncertain significance. Last evaluated: 2017-12-01. Review status: criteria provided, single submitter. Criteria: CeGaT Center For Human Genetics Tuebingen Variant Classification Criteria Version 2. Collection method: clinical testing. Allele origin: germline. Affected: yes. Observed: 1 variant allele.

PreventionGenetics, part of Exact Sciences
Classification: Likely benign for SPTB-related condition. Last evaluated: 2022-02-26. Review status: no assertion criteria provided. Collection method: clinical testing. Allele origin: germline. Not counted in ClinVar's aggregate classification.
Comment: This variant is classified as likely benign based on ACMG/AMP sequence variant interpretation guidelines (Richards et al. 2015 PMID: 25741868, with internal and published modifications).